The following is an entry in ClinVar:

NM_015087.5(SPART):c.292G>A (p.Gly98Ser)

Gene: SPART (spartin; minus strand). Cytogenetic location: 13q13.3.
Variant type: single nucleotide variant.
Coding change: c.292G>A on transcript NM_015087.5 (MANE Select); coding-DNA position 292, G replaced by A.
Protein change: p.Gly98Ser; replaces glycine 98 with serine.
Molecular consequence: missense variant.
Genome position (GRCh38, 1-based): chr13:36,335,539, C>T on the plus strand (G>A on the coding strand, the complement: SPART is on the minus strand). VCF-style: chr13-36335539-C-T. GRCh37 (hg19) VCF-style: chr13-36909676-C-T.
Other names: c.292G>A, p.Gly98Ser (NM_001142294.2, NM_001142295.2, NM_001142296.2); short protein forms G98S.
Identifiers: ClinVar variation 880792 (VCV000880792.5), dbSNP rs139744724, ClinGen allele CA6949662.

ClinVar aggregate classification (germline): Uncertain significance. Review status: criteria provided, multiple submitters, no conflicts (2 of 4 stars). 2 submissions from 2 submitters: Uncertain significance (2). Last evaluated 2022-01-05.

Conditions:
Troyer syndrome (SPG20). Identifiers: Orphanet 101000, MedGen C0393559, MONDO:0010156, OMIM 275900.

Allele frequency attached by ClinVar (database versions not stated): gnomAD 0.00002; gnomAD exomes 0.00002 and 0.00006; TOPMed 0.00002; ExAC 0.00011; ESP Exome Variant Server 0.00015.

Submissions (2):

Labcorp Genetics (formerly Invitae), Labcorp
Classification: Uncertain significance. Last evaluated: 2022-01-05. Review status: criteria provided, single submitter. Criteria: Invitae Variant Classification Sherloc (09022015). Collection method: clinical testing. Allele origin: germline.
Comment: This sequence change replaces glycine, which is neutral and non-polar, with serine, which is neutral and polar, at codon 98 of the SPART protein (p.Gly98Ser). This variant is present in population databases (rs139744724, gnomAD 0.01%). This variant has not been reported in the literature in individuals affected with SPART-related conditions. ClinVar contains an entry for this variant (Variation ID: 880792). Algorithms developed to predict the effect of missense changes on protein structure and function (SIFT, PolyPhen-2, Align-GVGD) all suggest that this variant is likely to be tolerated. In summary, the available evidence is currently insufficient to determine the role of this variant in disease. Therefore, it has been classified as a Variant of Uncertain Significance.

Illumina Laboratory Services, Illumina
Classification: Uncertain significance for Troyer syndrome. Last evaluated: 2018-01-13. Review status: criteria provided, single submitter. Criteria: ICSL Variant Classification Criteria 13 December 2019. Collection method: clinical testing. Allele origin: germline.